The following is an entry in ClinVar:

NM_004789.4(LHX2):c.649G>A (p.Val217Met)

Gene: LHX2 (LIM homeobox 2; plus strand). Cytogenetic location: 9q33.3.
Variant type: single nucleotide variant.
Coding change: c.649G>A on transcript NM_004789.4 (MANE Select); coding-DNA position 649, G replaced by A.
Protein change: p.Val217Met; replaces valine 217 with methionine.
Molecular consequence: missense variant.
Genome position (GRCh38, 1-based): chr9:124,015,447, G>A. VCF-style: chr9-124015447-G-A. GRCh37 (hg19) VCF-style: chr9-126777726-G-A.
Other names: short protein forms V217M.
Identifiers: ClinVar variation 3046005 (VCV003046005.2), dbSNP rs189601606, ClinGen allele CA5233895.

ClinVar aggregate classification (germline): Benign (0 of 4 stars; one submission).

Conditions:
LHX2-related disorder. Also called: LHX2-related condition.

Allele frequency attached by ClinVar (database versions not stated): gnomAD 0.00044; TOPMed 0.00045; 1000 Genomes Project 30x 0.00156; ExAC 0.00160; 1000 Genomes Project 0.00180.

Submission:

PreventionGenetics, part of Exact Sciences
Classification: Benign for LHX2-related condition. Last evaluated: 2019-10-28. Review status: no assertion criteria provided. Collection method: clinical testing. Allele origin: germline.
Comment: This variant is classified as benign based on ACMG/AMP sequence variant interpretation guidelines (Richards et al. 2015 PMID: 25741868, with internal and published modifications).